The following is an entry in ClinVar:

ClinVar aggregate classification (germline): Uncertain significance (1 of 4 stars; one submission).

Submission:

Labcorp Genetics (formerly Invitae), Labcorp
Classification: Uncertain significance. Last evaluated: 2024-08-07. Review status: criteria provided, single submitter. Criteria: Invitae Variant Classification Sherloc (09022015). Collection method: clinical testing. Allele origin: germline.
Comment: This sequence change replaces phenylalanine, which is neutral and non-polar, with leucine, which is neutral and non-polar, at codon 495 of the RHOBTB2 protein (p.Phe495Leu). This variant is not present in population databases (gnomAD no frequency). This variant has not been reported in the literature in individuals affected with RHOBTB2-related conditions. Advanced modeling of protein sequence and biophysical properties (such as structural, functional, and spatial information, amino acid conservation, physicochemical variation, residue mobility, and thermodynamic stability) performed at Invitae indicates that this missense variant is not expected to disrupt RHOBTB2 protein function with a negative predictive value of 80%. In summary, the available evidence is currently insufficient to determine the role of this variant in disease. Therefore, it has been classified as a Variant of Uncertain Significance.

NM_015178.3(RHOBTB2):c.1417T>C (p.Phe473Leu)

Gene: RHOBTB2 (Rho related BTB domain containing 2; plus strand). Cytogenetic location: 8p21.3.
Variant type: single nucleotide variant.
Coding change: c.1417T>C on transcript NM_015178.3 (MANE Select); coding-DNA position 1417, T replaced by C.
Protein change: p.Phe473Leu; replaces phenylalanine 473 with leucine.
Molecular consequence: missense variant.
Genome position (GRCh38, 1-based): chr8:23,007,662, T>C. VCF-style: chr8-23007662-T-C. GRCh37 (hg19) VCF-style: chr8-22865175-T-C.
Other names: c.1483T>C, p.Phe495Leu (NM_001160036.2); c.1438T>C, p.Phe480Leu (NM_001160037.2); c.1417T>C, p.Phe473Leu (NM_001374791.1); short protein forms F473L, F480L, F495L.
Identifiers: ClinVar variation 3654111 (VCV003654111.2).